The following is an entry in ClinVar:

ClinVar aggregate classification (germline): Conflicting classifications of pathogenicity. Review status: criteria provided, conflicting classifications (1 of 4 stars). 3 submissions from 3 submitters: Uncertain significance (2); Likely benign (1). Last evaluated 2025-11-01.

Conditions:
Hypercholesterolemia, autosomal dominant, type B (FHCL2). Also called: HYPERCHOLESTEROLEMIA, FAMILIAL, DUE TO LIGAND-DEFECTIVE APOLIPOPROTEIN B; Familial Hypercholesterolemia Type B; APOLIPOPROTEIN B-100, FAMILIAL DEFECTIVE; APOLIPOPROTEIN B-100, FAMILIAL LIGAND-DEFECTIVE; Familial hypercholesterolemia 2; APOB-Related Familial Hypercholesterolemia, Autosomal Dominant. Identifiers: MedGen C1704417, MONDO:0007751, OMIM 144010.
Familial hypobetalipoproteinemia 1. Also called: Hypobetalipoproteinemia, normotriglyceridemic; Acanthocytosis with hypobetalipoproteinemia; APOB-Related Familial Hypobetalipoproteinemia. Identifiers: MedGen C4551990, MONDO:0014252, OMIM 615558.
Cardiovascular phenotype. Identifiers: MedGen CN230736.

Allele frequency attached by ClinVar (database versions not stated): TOPMed below 0.00001; ExAC 0.00001; gnomAD 0.00001; gnomAD exomes 0.00001.
gnomAD v4.1: 11 of 1,613,982 alleles (0.00068%); highest among the groups gnomAD compares: South Asian, 0.0011%; no homozygotes.

Submissions (3):

CeGaT Center for Human Genetics Tuebingen
Classification: Uncertain significance. Last evaluated: 2025-11-01. Review status: criteria provided, single submitter. Criteria: CeGaT Center For Human Genetics Tuebingen Variant Classification Criteria Version 2. Collection method: clinical testing. Allele origin: germline. Affected: yes. Observed: 1 variant allele.

Ambry Genetics
Classification: Uncertain significance for Cardiovascular phenotype. Last evaluated: 2025-06-06. Review status: criteria provided, single submitter. Criteria: Ambry Variant Classification Scheme 2023. Collection method: clinical testing. Allele origin: germline.
Comment: The p.Y2060C variant (also known as c.6179A>G), located in coding exon 26 of the APOB gene, results from an A to G substitution at nucleotide position 6179. The tyrosine at codon 2060 is replaced by cysteine, an amino acid with highly dissimilar properties. This amino acid position is highly conserved in available vertebrate species. In addition, the in silico prediction for this alteration is inconclusive. Based on the available evidence, the clinical significance of this variant remains unclear.

Labcorp Genetics (formerly Invitae), Labcorp
Classification: Likely benign for Familial hypobetalipoproteinemia 1; Hypercholesterolemia, autosomal dominant, type B. Last evaluated: 2023-09-06. Review status: criteria provided, single submitter. Criteria: Invitae Variant Classification Sherloc (09022015). Collection method: clinical testing. Allele origin: germline.

NM_000384.3(APOB):c.6179A>G (p.Tyr2060Cys)

Gene: APOB (apolipoprotein B; minus strand). Cytogenetic location: 2p24.1.
Variant type: single nucleotide variant.
Coding change: c.6179A>G on transcript NM_000384.3 (MANE Select); coding-DNA position 6179, A replaced by G.
Protein change: p.Tyr2060Cys; replaces tyrosine 2060 with cysteine.
Molecular consequence: missense variant.
Genome position (GRCh38, 1-based): chr2:21,010,689, T>C on the plus strand (A>G on the coding strand, the complement: APOB is on the minus strand). VCF-style: chr2-21010689-T-C. GRCh37 (hg19) VCF-style: chr2-21233561-T-C.
Other names: c.6179A>G (NM_000384.2); short protein forms Y2060C.
Identifiers: ClinVar variation 2926145 (VCV002926145.10), dbSNP rs753938407, ClinGen allele CA062961.